The following is an entry in ClinVar:

ClinVar aggregate classification (germline): Uncertain significance (1 of 4 stars; one submission).

Allele frequency attached by ClinVar (database versions not stated): gnomAD 0.00001; TOPMed 0.00001.

Submission:

GeneDx
Classification: Uncertain significance. Last evaluated: 2022-09-22. Review status: criteria provided, single submitter. Criteria: GeneDx Variant Classification Process June 2021. Collection method: clinical testing. Allele origin: germline. Affected: yes.
Comment: Not observed at significant frequency in large population cohorts (gnomAD); In silico analysis supports that this missense variant does not alter protein structure/function; Has not been previously published as pathogenic or benign to our knowledge

NM_018684.4(ZC4H2):c.454C>G (p.Pro152Ala)

Gene: ZC4H2 (zinc finger C4H2-type containing; minus strand). Cytogenetic location: Xq11.2.
Variant type: single nucleotide variant.
Coding change: c.454C>G on transcript NM_018684.4 (MANE Select); coding-DNA position 454, C replaced by G.
Protein change: p.Pro152Ala; replaces proline 152 with alanine.
Molecular consequence: missense variant. On other transcripts: non-coding transcript variant (1), intron variant (1).
Genome position (GRCh38, 1-based): chrX:64,919,149, G>C on the plus strand (C>G on the coding strand, the complement: ZC4H2 is on the minus strand). VCF-style: chrX-64919149-G-C. GRCh37 (hg19) VCF-style: chrX-64139029-G-C.
Other names: c.385C>G, p.Pro129Ala (NM_001178032.3, NM_001243804.2); c.398+932C>G (NM_001178033.3); short protein forms P129A, P152A.
Identifiers: ClinVar variation 2446256 (VCV002446256.1), dbSNP rs1929066948, ClinGen allele CA413411539.